The following is an entry in ClinVar:

ClinVar aggregate classification (germline): Uncertain significance (1 of 4 stars; one submission).

Conditions:
Inborn genetic diseases. Identifiers: MedGen C0950123, MeSH D030342.

Submission:

Ambry Genetics
Classification: Uncertain significance for Inborn genetic diseases. Last evaluated: 2025-07-28. Review status: criteria provided, single submitter. Criteria: Ambry Variant Classification Scheme 2023. Collection method: clinical testing. Allele origin: germline.
Comment: The p.G646R variant (also known as c.1936G>C), located in coding exon 13 of the ASXL1 gene, results from a G to C substitution at nucleotide position 1936. The glycine at codon 646 is replaced by arginine, an amino acid with dissimilar properties. This amino acid position is conserved. In addition, the in silico prediction for this alteration is inconclusive. Based on the available evidence, the clinical significance of this variant remains unclear.

NM_015338.6(ASXL1):c.1936G>C (p.Gly646Arg)

Gene: ASXL1 (ASXL transcriptional regulator 1; plus strand). Cytogenetic location: 20q11.21.
Variant type: single nucleotide variant.
Coding change: c.1936G>C on transcript NM_015338.6 (MANE Select); coding-DNA position 1936, G replaced by C.
Protein change: p.Gly646Arg; replaces glycine 646 with arginine.
Molecular consequence: missense variant.
Genome position (GRCh38, 1-based): chr20:32,434,648, G>C. VCF-style: chr20-32434648-G-C. GRCh37 (hg19) VCF-style: chr20-31022451-G-C.
Other names: c.1753G>C, p.Gly585Arg (NM_001363734.1); short protein forms G585R, G646R.
Identifiers: ClinVar variation 4158414 (VCV004158414.1).